The following is an entry in ClinVar:

ClinVar aggregate classification (germline): Uncertain significance (1 of 4 stars; one submission).

Conditions:
RPA1-related disorder. Also called: RPA1-related condition.

Submission:

PreventionGenetics, part of Exact Sciences
Classification: Uncertain significance for RPA1-related condition. Last evaluated: 2025-03-31. Review status: criteria provided, single submitter. Criteria: ACMG Guidelines, 2015. Collection method: clinical testing. Allele origin: germline.
Comment: The RPA1 c.601G>C variant is predicted to result in the amino acid substitution p.Ala201Pro. To our knowledge, this variant has not been reported in the literature or in a large population database (gnomAD), indicating this variant is rare. At this time, the clinical significance of this variant is uncertain due to the absence of conclusive functional and genetic evidence.

NM_002945.5(RPA1):c.601G>C (p.Ala201Pro)

Gene: RPA1 (replication protein A1; plus strand). Cytogenetic location: 17p13.3.
Variant type: single nucleotide variant.
Coding change: c.601G>C on transcript NM_002945.5 (MANE Select); coding-DNA position 601, G replaced by C.
Protein change: p.Ala201Pro; replaces alanine 201 with proline.
Molecular consequence: missense variant.
Genome position (GRCh38, 1-based): chr17:1,877,225, G>C. VCF-style: chr17-1877225-G-C. GRCh37 (hg19) VCF-style: chr17-1780519-G-C.
Other names: c.562G>C, p.Ala188Pro (NM_001355120.2); c.601G>C, p.Ala201Pro (NM_001355121.2); short protein forms A188P, A201P.
Identifiers: ClinVar variation 5001391 (VCV005001391.1).